The following is an entry in ClinVar:

NM_003919.3(SGCE):c.556G>A (p.Ala186Thr)

Genes: CASD1 (CAS1 domain sialic acid O acetyltransferase 1; plus strand), SGCE (sarcoglycan epsilon; minus strand). Cytogenetic location: 7q21.3.
Variant type: single nucleotide variant.
Coding change: c.556G>A on transcript NM_003919.3 (MANE Select); coding-DNA position 556, G replaced by A.
Protein change: p.Ala186Thr; replaces alanine 186 with threonine.
Molecular consequence: missense variant.
Genome position (GRCh38, 1-based): chr7:94,618,864, C>T on the plus strand (G>A on the coding strand, the complement: SGCE is on the minus strand). VCF-style: chr7-94618864-C-T. GRCh37 (hg19) VCF-style: chr7-94248176-C-T.
Other names: c.556G>A, p.Ala186Thr (NM_001099400.2, NM_001099401.2, NM_001346717.2); c.433G>A, p.Ala145Thr (NM_001301139.2, NM_001362809.2); c.664G>A, p.Ala222Thr (NM_001346713.2, NM_001346715.2); c.469G>A, p.Ala157Thr (NM_001346719.2, NM_001362807.2); c.283G>A, p.Ala95Thr (NM_001346720.2, NM_001362808.2); short protein forms A186T, A157T, A95T, A145T, A222T.
Identifiers: ClinVar variation 360992 (VCV000360992.10), dbSNP rs746585235, ClinGen allele CA4348768.
Genomic context (GRCh38, chr7:94,618,864, plus strand): 5'-CTAGGGCCGATGTGATGTTTATGGCGTTCAGGCGCTCTGGCTGCCACACATTTTTCACTG[C>T]GCCAAGAAAGTCTCCAAGAACCTCACTGGCCAACATTTCTTCTACATTCATATTCTTAAT-3'
Protein context (NP_003910.1, residues 176-196): ASEVLGDFLG[Ala186Thr]VKNVWQPERL

ClinVar aggregate classification (germline): Conflicting classifications of pathogenicity. Review status: criteria provided, conflicting classifications (1 of 4 stars). 3 submissions from 3 submitters: Uncertain significance (2); Benign (1). Last evaluated 2024-06-17.

Conditions:
Inborn genetic diseases. Identifiers: MedGen C0950123, MeSH D030342.
Myoclonic dystonia 11 (DYT11). Also called: Dystonia, alcohol responsive; Hereditary essential myoclonus; SGCE Myoclonus-Dystonia; Myoclonus-Dystonia; Myoclonic dystonia; Dystonia 11. Identifiers: Orphanet 36899, MedGen C1834570, MONDO:0008044, OMIM 159900.

Allele frequency attached by ClinVar (database versions not stated): gnomAD 0.00001; TOPMed 0.00001; ExAC 0.00002; gnomAD exomes 0.00002 and 0.00004.
gnomAD v4.1: 23 of 1,613,834 alleles (0.0014%); highest among the groups gnomAD compares: East Asian, 0.033%; no homozygotes.

Submissions (3):

Labcorp Genetics (formerly Invitae), Labcorp
Classification: Uncertain significance for Myoclonic dystonia 11. Last evaluated: 2024-06-17. Review status: criteria provided, single submitter. Criteria: Invitae Variant Classification Sherloc (09022015). Collection method: clinical testing. Allele origin: germline.
Comment: This sequence change replaces alanine, which is neutral and non-polar, with threonine, which is neutral and polar, at codon 186 of the SGCE protein (p.Ala186Thr). This variant is present in population databases (rs746585235, gnomAD 0.03%). This variant has not been reported in the literature in individuals affected with SGCE-related conditions. ClinVar contains an entry for this variant (Variation ID: 360992). Advanced modeling of protein sequence and biophysical properties (such as structural, functional, and spatial information, amino acid conservation, physicochemical variation, residue mobility, and thermodynamic stability) performed at Invitae indicates that this missense variant is not expected to disrupt SGCE protein function with a negative predictive value of 80%. In summary, the available evidence is currently insufficient to determine the role of this variant in disease. Therefore, it has been classified as a Variant of Uncertain Significance.

Ambry Genetics
Classification: Uncertain significance for Inborn genetic diseases. Last evaluated: 2023-02-28. Review status: criteria provided, single submitter. Criteria: Ambry Variant Classification Scheme 2023. Collection method: clinical testing. Allele origin: germline.

Illumina Laboratory Services, Illumina
Classification: Benign for Myoclonic dystonia 11. Last evaluated: 2018-01-12. Review status: criteria provided, single submitter. Criteria: ICSL Variant Classification Criteria 13 December 2019. Collection method: clinical testing. Allele origin: germline.
Comment: This variant was observed in the ICSL laboratory as part of a predisposition screen in an ostensibly healthy population. It had not been previously curated by ICSL or reported in the Human Gene Mutation Database (HGMD: prior to June 1st, 2018), and was therefore a candidate for classification through an automated scoring system. Utilizing variant allele frequency, disease prevalence and penetrance estimates, and inheritance mode, an automated score was calculated to assess if this variant is too frequent to cause the disease. Based on the score and internal cut-off values, a variant classified as benign is not then subjected to further curation. The score for this variant resulted in a classification of benign for this disease.